The following is an entry in ClinVar:

NM_000088.4(COL1A1):c.334-5C>A

Gene: COL1A1 (collagen type I alpha 1 chain; minus strand). Cytogenetic location: 17q21.33.
Variant type: single nucleotide variant.
Coding change: c.334-5C>A on transcript NM_000088.4 (MANE Select); 5 bases into the intron before coding-DNA position 334, C replaced by A.
Molecular consequence: intron variant.
Genome position (GRCh38, 1-based): chr17:50,199,458, G>T on the plus strand (C>A on the coding strand, the complement: COL1A1 is on the minus strand). VCF-style: chr17-50199458-G-T. GRCh37 (hg19) VCF-style: chr17-48276819-G-T.
Identifiers: ClinVar variation 324119 (VCV000324119.50), dbSNP rs115997082, ClinGen allele CA8645741.

ClinVar aggregate classification (germline): Conflicting classifications of pathogenicity. Review status: criteria provided, conflicting classifications (1 of 4 stars). 10 submissions from 8 submitters: Uncertain significance (2); Benign (3); Likely benign (4). 1 of the submissions does not count toward it. Last evaluated 2026-04-01.

Conditions:
Cardiovascular phenotype. Identifiers: MedGen CN230736.
Ehlers-Danlos syndrome, arthrochalasia type. Also called: ARTHROCHALASIS MULTIPLEX CONGENITA; EDS VII, MUTANT PROCOLLAGEN TYPE; EDS VIIA; Ehlers-Danlos syndrome, arthrochalasis type; Ehlers-Danlos syndrome, arthrochalasia type, 1. Identifiers: Orphanet 1899, Orphanet 99875, Orphanet 99876, MedGen C4551623, MONDO:0007525, OMIM 130060.
Infantile cortical hyperostosis. Also called: Hyperostosis, Cortical, Congenital; Caffey Disease; P1PK BLOOD GROUP SYSTEM, P(2) PHENOTYPE. Identifiers: Orphanet 1310, MedGen C0020497, MONDO:0007244, OMIM 114000.
Osteogenesis imperfecta (OI). Identifiers: Orphanet 666, MedGen C0029434, MeSH D010013, MONDO:0019019.
Osteogenesis imperfecta type I (OI1). Also called: OI, TYPE I; OSTEOGENESIS IMPERFECTA TARDA; OSTEOGENESIS IMPERFECTA WITH BLUE SCLERAE; Osteogenesis imperfecta type 1; Lobstein disease; Classic Non-deforming Osteogenesis Imperfecta with Blue Sclerae. Identifiers: Orphanet 216796, Orphanet 666, MedGen C0023931, MONDO:0008146, OMIM 166200. Disease mechanism: loss of function.
COL1A1-related disorder. Also called: COL1A1-related condition; COL1A1- related disease.

Allele frequency attached by ClinVar (database versions not stated): ExAC 0.00018; gnomAD 0.00035; ESP Exome Variant Server 0.00062; TOPMed 0.00069; 1000 Genomes Project 0.00080; 1000 Genomes Project 30x 0.00094.
gnomAD v4.1: 178 of 1,614,184 alleles (0.011%); highest among the groups gnomAD compares: African/African-American, 0.19%; 1 homozygote.

Submissions (10):

CeGaT Center for Human Genetics Tuebingen
Classification: Likely benign. Last evaluated: 2026-04-01. Review status: criteria provided, single submitter. Criteria: CeGaT Center For Human Genetics Tuebingen Variant Classification Criteria Version 2. Collection method: clinical testing. Allele origin: germline. Affected: yes. Observed: 2 variant alleles.
Comment: COL1A1: BP4, BS1

Labcorp Genetics (formerly Invitae), Labcorp
Classification: Benign for Osteogenesis imperfecta type I. Last evaluated: 2025-08-26. Review status: criteria provided, single submitter. Criteria: Invitae Variant Classification Sherloc (09022015). Collection method: clinical testing. Allele origin: germline.

Blueprint Genetics
Classification: Likely benign. Last evaluated: 2024-07-05. Review status: criteria provided, single submitter. Criteria: ACMG Guidelines, 2015. Collection method: clinical testing. Allele origin: germline.

Laboratorio de Genetica e Diagnostico Molecular, Hospital Israelita Albert Einstein
Classification: Likely benign. Last evaluated: 2021-06-10. Review status: criteria provided, single submitter. Criteria: ACMG Guidelines, 2015. Collection method: clinical testing. Allele origin: germline. Affected: yes.
Comment: ACMG classification criteria: BS1, BP4

Ambry Genetics
Classification: Likely benign for Cardiovascular phenotype. Last evaluated: 2021-01-25. Review status: criteria provided, single submitter. Criteria: Ambry Variant Classification Scheme 2023. Collection method: clinical testing. Allele origin: germline.

Illumina Laboratory Services, Illumina
Classification: Uncertain significance for Infantile cortical hyperostosis. Last evaluated: 2018-01-13. Review status: criteria provided, single submitter. Criteria: ICSL Variant Classification Criteria 13 December 2019. Collection method: clinical testing. Allele origin: germline.

Illumina Laboratory Services, Illumina
Classification: Benign for Osteogenesis imperfecta. Last evaluated: 2018-01-13. Review status: criteria provided, single submitter. Criteria: ICSL Variant Classification Criteria 13 December 2019. Collection method: clinical testing. Allele origin: germline.
Comment: This variant was observed in the ICSL laboratory as part of a predisposition screen in an ostensibly healthy population. It had not been previously curated by ICSL or reported in the Human Gene Mutation Database (HGMD: prior to June 1st, 2018), and was therefore a candidate for classification through an automated scoring system. Utilizing variant allele frequency, disease prevalence and penetrance estimates, and inheritance mode, an automated score was calculated to assess if this variant is too frequent to cause the disease. Based on the score and internal cut-off values, a variant classified as benign is not then subjected to further curation. The score for this variant resulted in a classification of benign for this disease.

Illumina Laboratory Services, Illumina
Classification: Benign for Ehlers-Danlos syndrome, arthrochalasia type. Last evaluated: 2018-01-13. Review status: criteria provided, single submitter. Criteria: ICSL Variant Classification Criteria 13 December 2019. Collection method: clinical testing. Allele origin: germline.
Comment: the same text as in the submission from Illumina Laboratory Services, Illumina above.

GeneDx
Classification: Uncertain significance. Last evaluated: 2017-06-15. Review status: criteria provided, single submitter. Criteria: GeneDx Variant Classification (06012015). Collection method: clinical testing. Allele origin: germline. Affected: yes.
Comment: A variant of uncertain significance has been identified in the COL1A1 gene. The c.334-5 C>A variant has not been published as pathogenic or been reported as benign to our knowledge. This variant is observed in 0.2-0.3% alleles from individuals of African ancestry in large population cohorts, indicating it may be a rare benign variant in this population (Lek et al., 2016; 1000 Genomes Consortium et al., 2015; Exome Variant Server). The c.334-5 C>A variant occurs at a nucleotide position that is not conserved across species. Additionally, in silico splice prediction algorithms are inconclusive as to whether or not this variant damages the splice acceptor site in intron 3. While other splice site variants in the COL1A1 gene have been reported in HGMD in association with COL1A1-related disorders (Stenson et al., 2014), in the absence of functional mRNA studies, the physiological consequence of this variant cannot be precisely determined.

PreventionGenetics, part of Exact Sciences
Classification: Likely benign for COL1A1-related condition. Last evaluated: 2020-03-19. Review status: no assertion criteria provided. Collection method: clinical testing. Allele origin: germline. Not counted in ClinVar's aggregate classification.
Comment: This variant is classified as likely benign based on ACMG/AMP sequence variant interpretation guidelines (Richards et al. 2015 PMID: 25741868, with internal and published modifications).